The following is an entry in ClinVar:

ClinVar aggregate classification (germline): Benign/Likely benign. Review status: criteria provided, multiple submitters, no conflicts (2 of 4 stars). 3 submissions from 3 submitters: Benign (1); Likely benign (2). Last evaluated 2026-04-28.

Conditions:
Colorectal cancer, hereditary nonpolyposis, type 7. Identifiers: Orphanet 144, MedGen C1858380, MONDO:0013725, OMIM 614385.

Allele frequency attached by ClinVar (database versions not stated): gnomAD exomes below 0.00001.
gnomAD v4.1: 1 of 1,614,026 alleles (0.000062%); highest among the groups gnomAD compares: Non-Finnish European, 0.000085%; no homozygotes.

Submissions (3):

Myriad Genetics, Inc.
Classification: Benign for Colorectal cancer, hereditary nonpolyposis, type 7. Last evaluated: 2026-04-28. Review status: criteria provided, single submitter. Criteria: Myriad Autosomal Dominant, Autosomal Recessive and X-Linked Classification Criteria (2023). Collection method: clinical testing. Allele origin: unknown.
Comment: This variant is considered benign. This variant is a silent/synonymous amino acid change and it is not expected to impact splicing.

Labcorp Genetics (formerly Invitae), Labcorp
Classification: Likely benign for Colorectal cancer, hereditary nonpolyposis, type 7. Last evaluated: 2024-03-08. Review status: criteria provided, single submitter. Criteria: Invitae Variant Classification Sherloc (09022015). Collection method: clinical testing. Allele origin: germline.

Ambry Genetics
Classification: Likely benign. Last evaluated: 2021-12-19. Review status: criteria provided, single submitter. Criteria: Ambry Variant Classification Scheme 2023. Collection method: clinical testing. Allele origin: germline.

NM_001040108.2(MLH3):c.225C>G (p.Thr75=)

Gene: MLH3 (mutL homolog 3; minus strand). Cytogenetic location: 14q24.3.
Variant type: single nucleotide variant.
Coding change: c.225C>G on transcript NM_001040108.2 (MANE Select); coding-DNA position 225, C replaced by G.
Protein change: p.Thr75=; no amino-acid change (threonine 75 retained).
Molecular consequence: synonymous variant.
Genome position (GRCh38, 1-based): chr14:75,049,431, G>C on the plus strand (C>G on the coding strand, the complement: MLH3 is on the minus strand). VCF-style: chr14-75049431-G-C. GRCh37 (hg19) VCF-style: chr14-75516134-G-C.
Other names: c.225C>G, p.Thr75= (NM_014381.3).
Identifiers: ClinVar variation 1788574 (VCV001788574.5), dbSNP rs144419170, ClinGen allele CA487274361.